The following is an entry in ClinVar:

ClinVar aggregate classification (germline): Uncertain significance. Review status: criteria provided, multiple submitters, no conflicts (2 of 4 stars). 2 submissions from 2 submitters: Uncertain significance (2). Last evaluated 2024-12-12.

Conditions:
CDH23-related disorder. Also called: CDH23-related disorders; CDH23-related condition.

gnomAD v4.1: 7 of 1,613,846 alleles (0.00043%); highest among the groups gnomAD compares: East Asian, 0.013%; no homozygotes.

Submissions (2):

PreventionGenetics, part of Exact Sciences
Classification: Uncertain significance for CDH23-related condition. Last evaluated: 2024-12-12. Review status: criteria provided, single submitter. Criteria: ACMG Guidelines, 2015. Collection method: clinical testing. Allele origin: germline.
Comment: The CDH23 c.7384T>C variant is predicted to result in the amino acid substitution p.Ser2462Pro. This variant has been reported in an individual with hearing loss along with variants in several other genes (Table S2, Wu et al. 2020. PubMedID: 32048449). This variant is reported in 0.015% of alleles in individuals of East Asian descent in gnomAD. At this time, the clinical significance of this variant is uncertain due to the absence of conclusive functional and genetic evidence.

Blueprint Genetics
Classification: Uncertain significance. Last evaluated: 2023-08-23. Review status: criteria provided, single submitter. Criteria: ACMG Guidelines, 2015. Collection method: clinical testing. Allele origin: germline.

NM_022124.6(CDH23):c.7384T>C (p.Ser2462Pro)

Gene: CDH23 (cadherin related 23; plus strand). Cytogenetic location: 10q22.1.
Variant type: single nucleotide variant.
Coding change: c.7384T>C on transcript NM_022124.6 (MANE Select); coding-DNA position 7384, T replaced by C.
Protein change: p.Ser2462Pro; replaces serine 2462 with proline.
Molecular consequence: missense variant.
Genome position (GRCh38, 1-based): chr10:71,800,657, T>C. VCF-style: chr10-71800657-T-C. GRCh37 (hg19) VCF-style: chr10-73560414-T-C.
Other names: c.7384T>C (NM_022124.5); c.664T>C, p.Ser222Pro (NM_001171933.1, NM_001171934.1); short protein forms S222P, S2462P.
Identifiers: ClinVar variation 4907931 (VCV004907931.2).